The following is an entry in ClinVar:

NC_000019.10:g.13599871A>G

Gene: CACNA1A (calcium voltage-gated channel subunit alpha1 A; minus strand). Cytogenetic location: 19p13.13.
Variant type: single nucleotide variant.
Genome position: GRCh38 VCF-style: chr19-13599871-A-G. GRCh37 (hg19) VCF-style: chr19-13710685-A-G.
Identifiers: ClinVar variation 5040622 (VCV005040622.1).

ClinVar aggregate classification (germline): Uncertain significance (1 of 4 stars; one submission).

Submission:

CeGaT Center for Human Genetics Tuebingen
Classification: Uncertain significance. Last evaluated: 2026-08-01. Review status: criteria provided, single submitter. Criteria: CeGaT Center For Human Genetics Tuebingen Variant Classification Criteria Version 2. Collection method: clinical testing. Allele origin: germline. Affected: yes. Observed: 1 variant allele.
Comment: CACNA1A: PM2, PP2